The following is an entry in ClinVar:

ClinVar aggregate classification (germline): Conflicting classifications of pathogenicity. Review status: criteria provided, conflicting classifications (1 of 4 stars). 4 submissions from 4 submitters: Uncertain significance (1); Likely benign (3). Last evaluated 2025-09-13.

Conditions:
Cardiovascular phenotype. Identifiers: MedGen CN230736.
Hypertrophic cardiomyopathy. Also called: HYPERTROPHIC MYOCARDIOPATHY. Identifiers: Orphanet 217569, MedGen C0007194, MeSH D002312, MONDO:0005045, HP:0001639.
Cardiomyopathy (CMYO). Also called: Cardiomyopathies. Identifiers: Orphanet 167848, MedGen C0878544, MONDO:0004994, HP:0001638. Inheritance: Various modes of inheritance.

Allele frequency attached by ClinVar (database versions not stated): gnomAD exomes 0.00001; TOPMed 0.00001; gnomAD 0.00002.
gnomAD v4.1: 18 of 1,607,814 alleles (0.0011%); highest among the groups gnomAD compares: Admixed American, 0.0067%; no homozygotes.

Submissions (4):

Labcorp Genetics (formerly Invitae), Labcorp
Classification: Uncertain significance for Hypertrophic cardiomyopathy. Last evaluated: 2025-09-13. Review status: criteria provided, single submitter. Criteria: Invitae Variant Classification Sherloc (09022015). Collection method: clinical testing. Allele origin: germline.
Comment: This sequence change affects codon 257 of the MYBPC3 mRNA. It is a 'silent' change, meaning that it does not change the encoded amino acid sequence of the MYBPC3 protein. It affects a nucleotide within the consensus splice site. The frequency data for this variant in the population databases is considered unreliable, as metrics indicate poor data quality at this position in the gnomAD database. This variant has not been reported in the literature in individuals affected with MYBPC3-related conditions. ClinVar contains an entry for this variant (Variation ID: 669087). Algorithms developed to predict the effect of sequence changes on RNA splicing suggest that this variant is not likely to affect RNA splicing. In summary, the available evidence is currently insufficient to determine the role of this variant in disease. Therefore, it has been classified as a Variant of Uncertain Significance.

Ambry Genetics
Classification: Likely benign for Cardiovascular phenotype. Last evaluated: 2020-06-15. Review status: criteria provided, single submitter. Criteria: Ambry Variant Classification Scheme 2023. Collection method: clinical testing. Allele origin: germline.

Color Diagnostics, LLC DBA Color Health
Classification: Likely benign for Cardiomyopathy. Last evaluated: 2019-10-22. Review status: criteria provided, single submitter. Criteria: ACMG Guidelines, 2015. Collection method: clinical testing. Allele origin: germline.

GeneDx
Classification: Likely benign. Last evaluated: 2018-05-22. Review status: criteria provided, single submitter. Criteria: GeneDx Variant Classification (06012015). Collection method: clinical testing. Allele origin: germline. Affected: yes.
Comment: This variant is considered likely benign or benign based on one or more of the following criteria: it is a conservative change, it occurs at a poorly conserved position in the protein, it is predicted to be benign by multiple in silico algorithms, and/or has population frequency not consistent with disease.

NM_000256.3(MYBPC3):c.771C>T (p.His257=)

Gene: MYBPC3 (myosin binding protein C3; minus strand). Cytogenetic location: 11p11.2.
Variant type: single nucleotide variant.
Coding change: c.771C>T on transcript NM_000256.3 (MANE Select); coding-DNA position 771, C replaced by T.
Protein change: p.His257=; no amino-acid change (histidine 257 retained).
Molecular consequence: synonymous variant.
Genome position (GRCh38, 1-based): chr11:47,348,425, G>A on the plus strand (C>T on the coding strand, the complement: MYBPC3 is on the minus strand). VCF-style: chr11-47348425-G-A. GRCh37 (hg19) VCF-style: chr11-47369976-G-A.
Identifiers: ClinVar variation 669087 (VCV000669087.9), dbSNP rs1287380656, ClinGen allele CA474221348.